The following is an entry in ClinVar:

NM_000215.4(JAK3):c.853G>T (p.Glu285Ter)

Gene: JAK3 (Janus kinase 3; minus strand). Cytogenetic location: 19p13.11.
Variant type: single nucleotide variant.
Coding change: c.853G>T on transcript NM_000215.4 (MANE Select); coding-DNA position 853, G replaced by T.
Protein change: p.Glu285Ter; replaces glutamic acid 285 with a stop codon.
Molecular consequence: nonsense.
Genome position (GRCh38, 1-based): chr19:17,842,324, C>A on the plus strand (G>T on the coding strand, the complement: JAK3 is on the minus strand). VCF-style: chr19-17842324-C-A. GRCh37 (hg19) VCF-style: chr19-17953133-C-A.
Other names: c.853G>T, p.Glu285Ter (NM_001440439.1); short protein forms E285*.
Identifiers: ClinVar variation 4811643 (VCV004811643.1).
Genomic context (GRCh38, chr19:17,842,324, plus strand): 5'-CCCGAGCCCCGCCCCCACGTTGGCCCCGCCCAGCGGGGGAGTCCGCCCTCACCTCCTGTT[C>A]TCCCTGGGTCCAGGCGATGCCGCCGTCACCAGCCACGCGGAGCAGCCCCAGCCCGTCGTG-3'

ClinVar aggregate classification (germline): Pathogenic (1 of 4 stars; one submission).

Conditions:
T-B+ severe combined immunodeficiency due to JAK3 deficiency. Also called: SCID, T CELL-NEGATIVE, B CELL-POSITIVE, NK CELL-NEGATIVE; SCID, autosomal recessive, T-negative/B-positive type. Identifiers: Orphanet 35078, MedGen C1833275, MONDO:0010938, OMIM 600802.

gnomAD v4.1: 1 of 1,556,698 alleles (0.000064%); highest among the groups gnomAD compares: Non-Finnish European, 0.000087%; no homozygotes.

Submission:

Labcorp Genetics (formerly Invitae), Labcorp
Classification: Pathogenic for T-B+ severe combined immunodeficiency due to JAK3 deficiency. Last evaluated: 2025-02-13. Review status: criteria provided, single submitter. Criteria: Invitae Variant Classification Sherloc (09022015). Collection method: clinical testing. Allele origin: germline.
Comment: This sequence change creates a premature translational stop signal (p.Glu285*) in the JAK3 gene. It is expected to result in an absent or disrupted protein product. Loss-of-function variants in JAK3 are known to be pathogenic (PMID: 7481768, 11668621). This variant is not present in population databases (gnomAD no frequency). This variant has not been reported in the literature in individuals affected with JAK3-related conditions. For these reasons, this variant has been classified as Pathogenic.

Literature cited by the submitters: PubMed 7481768; PubMed 11668621.